The following is an entry in ClinVar:

ClinVar aggregate classification (germline): Uncertain significance (1 of 4 stars; one submission).

Allele frequency attached by ClinVar (database versions not stated): gnomAD 0.00001; TOPMed 0.00001; ExAC 0.00002.
gnomAD v4.1: 8 of 1,611,540 alleles (0.0005%); highest among the groups gnomAD compares: Admixed American, 0.01%; no homozygotes.

Submission:

Labcorp Genetics (formerly Invitae), Labcorp
Classification: Uncertain significance. Last evaluated: 2021-12-13. Review status: criteria provided, single submitter. Criteria: Invitae Variant Classification Sherloc (09022015). Collection method: clinical testing. Allele origin: germline.
Comment: In summary, the available evidence is currently insufficient to determine the role of this variant in disease. Therefore, it has been classified as a Variant of Uncertain Significance. Algorithms developed to predict the effect of missense changes on protein structure and function (SIFT, PolyPhen-2, Align-GVGD) all suggest that this variant is likely to be tolerated. This variant has not been reported in the literature in individuals affected with SBF1-related conditions. This variant is present in population databases (rs749360631, gnomAD 0.02%). This sequence change replaces proline, which is neutral and non-polar, with serine, which is neutral and polar, at codon 660 of the SBF1 protein (p.Pro660Ser).

NM_002972.4(SBF1):c.1978C>T (p.Pro660Ser)

Gene: SBF1 (SET binding factor 1; minus strand). Cytogenetic location: 22q13.33.
Variant type: single nucleotide variant.
Coding change: c.1978C>T on transcript NM_002972.4 (MANE Select); coding-DNA position 1978, C replaced by T.
Protein change: p.Pro660Ser; replaces proline 660 with serine.
Molecular consequence: missense variant.
Genome position (GRCh38, 1-based): chr22:50,462,708, G>A on the plus strand (C>T on the coding strand, the complement: SBF1 is on the minus strand). VCF-style: chr22-50462708-G-A. GRCh37 (hg19) VCF-style: chr22-50901137-G-A.
Other names: c.1981C>T, p.Pro661Ser (NM_001365819.1, NM_001410794.1); c.1978C>T, p.Pro660Ser (NM_001410795.1, NM_197971.1); short protein forms P660S, P661S.
Identifiers: ClinVar variation 1956414 (VCV001956414.5), dbSNP rs749360631, ClinGen allele CA10317400.